The following is an entry in ClinVar:

ClinVar aggregate classification (germline): Uncertain significance. Review status: criteria provided, multiple submitters, no conflicts (2 of 4 stars). 2 submissions from 2 submitters: Uncertain significance (2). Last evaluated 2024-03-19.

gnomAD v4.1: 4 of 1,206,445 alleles (0.00033%); highest among the groups gnomAD compares: African/African-American, 0.0069%; no homozygotes.

Submissions (2):

Labcorp Genetics (formerly Invitae), Labcorp
Classification: Uncertain significance. Last evaluated: 2024-03-19. Review status: criteria provided, single submitter. Criteria: Invitae Variant Classification Sherloc (09022015). Collection method: clinical testing. Allele origin: germline.
Comment: This sequence change replaces glutamic acid, which is acidic and polar, with aspartic acid, which is acidic and polar, at codon 279 of the NYX protein (p.Glu279Asp). This variant is present in population databases (no rsID available, gnomAD 0.009%). This variant has not been reported in the literature in individuals affected with NYX-related conditions. Advanced modeling of protein sequence and biophysical properties (such as structural, functional, and spatial information, amino acid conservation, physicochemical variation, residue mobility, and thermodynamic stability) performed at Invitae indicates that this missense variant is not expected to disrupt NYX protein function with a negative predictive value of 80%. In summary, the available evidence is currently insufficient to determine the role of this variant in disease. Therefore, it has been classified as a Variant of Uncertain Significance.

Blueprint Genetics
Classification: Uncertain significance. Last evaluated: 2022-01-29. Review status: criteria provided, single submitter. Criteria: ACMG Guidelines, 2015. Collection method: clinical testing. Allele origin: germline.

NM_001378477.3(NYX):c.822G>C (p.Glu274Asp)

Gene: NYX (nyctalopin; plus strand). Cytogenetic location: Xp11.4.
Variant type: single nucleotide variant.
Coding change: c.822G>C on transcript NM_001378477.3 (MANE Select); coding-DNA position 822, G replaced by C.
Protein change: p.Glu274Asp; replaces glutamic acid 274 with aspartic acid.
Molecular consequence: missense variant.
Genome position (GRCh38, 1-based): chrX:41,474,290, G>C. VCF-style: chrX-41474290-G-C. GRCh37 (hg19) VCF-style: chrX-41333543-G-C.
Other names: c.822G>C, p.Glu274Asp (NM_022567.3); short protein forms E274D.
Identifiers: ClinVar variation 3681447 (VCV003681447.3).